The following is an entry in ClinVar:

NM_001232.4(CASQ2):c.326A>T (p.Asp109Val)

Gene: CASQ2 (calsequestrin 2; minus strand). Cytogenetic location: 1p13.1.
Variant type: single nucleotide variant.
Coding change: c.326A>T on transcript NM_001232.4 (MANE Select); coding-DNA position 326, A replaced by T.
Protein change: p.Asp109Val; replaces aspartic acid 109 with valine.
Molecular consequence: missense variant.
Genome position (GRCh38, 1-based): chr1:115,740,822, T>A on the plus strand (A>T on the coding strand, the complement: CASQ2 is on the minus strand). VCF-style: chr1-115740822-T-A. GRCh37 (hg19) VCF-style: chr1-116283443-T-A.
Other names: short protein forms D109V.
Identifiers: ClinVar variation 968797 (VCV000968797.7), dbSNP rs946911897, ClinGen allele CA29606348.

ClinVar aggregate classification (germline): Uncertain significance. Review status: criteria provided, multiple submitters, no conflicts (2 of 4 stars). 4 submissions from 4 submitters: Uncertain significance (4). Last evaluated 2025-07-16.

Conditions:
Cardiovascular phenotype. Identifiers: MedGen CN230736.
Catecholaminergic polymorphic ventricular tachycardia 2. Also called: CASQ2-Related Catecholaminergic Polymorphic Ventricular Tachycardia; VENTRICULAR TACHYCARDIA, STRESS-INDUCED POLYMORPHIC 2. Identifiers: Orphanet 3286, MedGen C2677794, MONDO:0012762, OMIM 611938.
Catecholaminergic polymorphic ventricular tachycardia 1. Also called: VENTRICULAR TACHYCARDIA, CATECHOLAMINERGIC POLYMORPHIC, 1, WITH OR WITHOUT ATRIAL DYSFUNCTION AND/OR DILATED CARDIOMYOPATHY; RYR2-Related Catecholaminergic Polymorphic Ventricular Tachycardia; VENTRICULAR TACHYCARDIA, STRESS-INDUCED POLYMORPHIC 1. Identifiers: Orphanet 3286, MedGen C1631597, MONDO:0011484, OMIM 604772.

Allele frequency attached by ClinVar (database versions not stated): gnomAD exomes 0.00001; TOPMed 0.00001.
gnomAD v4.1: 3 of 1,607,778 alleles (0.00019%); highest among the groups gnomAD compares: Non-Finnish European, 0.00026%; no homozygotes.

Submissions (4):

Labcorp Genetics (formerly Invitae), Labcorp
Classification: Uncertain significance for Catecholaminergic polymorphic ventricular tachycardia 1. Last evaluated: 2025-07-16. Review status: criteria provided, single submitter. Criteria: Invitae Variant Classification Sherloc (09022015). Collection method: clinical testing. Allele origin: germline.
Comment: This sequence change replaces aspartic acid, which is acidic and polar, with valine, which is neutral and non-polar, at codon 109 of the CASQ2 protein (p.Asp109Val). This variant is not present in population databases (gnomAD no frequency). This variant has not been reported in the literature in individuals affected with CASQ2-related conditions. ClinVar contains an entry for this variant (Variation ID: 968797). An algorithm developed to predict the effect of missense changes on protein structure and function outputs the following: PolyPhen-2: "Benign". The valine amino acid residue is found in multiple mammalian species, which suggests that this missense change does not adversely affect protein function. In summary, the available evidence is currently insufficient to determine the role of this variant in disease. Therefore, it has been classified as a Variant of Uncertain Significance.

Ambry Genetics
Classification: Uncertain significance for Cardiovascular phenotype. Last evaluated: 2023-08-10. Review status: criteria provided, single submitter. Criteria: Ambry Variant Classification Scheme 2023. Collection method: clinical testing. Allele origin: germline.
Comment: The p.D109V variant (also known as c.326A>T), located in coding exon 3 of the CASQ2 gene, results from an A to T substitution at nucleotide position 326. The aspartic acid at codon 109 is replaced by valine, an amino acid with highly dissimilar properties. This amino acid position is poorly conserved in available vertebrate species. In addition, this alteration is predicted to be tolerated by in silico analysis. Since supporting evidence is limited at this time, the clinical significance of this alteration remains unclear.

Genome-Nilou Lab
Classification: Uncertain significance for Catecholaminergic polymorphic ventricular tachycardia 2. Last evaluated: 2023-04-11. Review status: criteria provided, single submitter. Criteria: ACMG Guidelines, 2015. Collection method: clinical testing. Allele origin: germline. Affected: no.

Fulgent Genetics
Classification: Uncertain significance for Catecholaminergic polymorphic ventricular tachycardia 1; Catecholaminergic polymorphic ventricular tachycardia 2. Last evaluated: 2021-09-01. Review status: criteria provided, single submitter. Criteria: ACMG Guidelines, 2015. Collection method: clinical testing. Allele origin: unknown.